The following is an entry in ClinVar:

ClinVar aggregate classification (germline): Uncertain significance (1 of 4 stars; one submission).

Conditions:
SMARCD1-related condition.

gnomAD v4.1: 1 of 1,612,252 alleles (0.000062%); highest among the groups gnomAD compares: Admixed American, 0.0017%; no homozygotes.

Submission:

PreventionGenetics, part of Exact Sciences
Classification: Uncertain significance for SMARCD1-related condition. Last evaluated: 2025-09-30. Review status: criteria provided, single submitter. Criteria: ACMG Guidelines, 2015. Collection method: clinical testing. Allele origin: germline.
Comment: The SMARCD1 c.1127T>G variant is predicted to result in the amino acid substitution p.Val376Gly. To our knowledge, this variant has not been reported in the literature or in a large population database (gnomAD), indicating this variant is rare. At this time, the clinical significance of this variant is uncertain due to the absence of conclusive functional and genetic evidence.

NM_003076.5(SMARCD1):c.1127T>G (p.Val376Gly)

Gene: SMARCD1 (SWI/SNF related BAF chromatin remodeling complex subunit D1; plus strand). Cytogenetic location: 12q13.12.
Variant type: single nucleotide variant.
Coding change: c.1127T>G on transcript NM_003076.5 (MANE Select); coding-DNA position 1127, T replaced by G.
Protein change: p.Val376Gly; replaces valine 376 with glycine.
Molecular consequence: missense variant.
Genome position (GRCh38, 1-based): chr12:50,090,584, T>G. VCF-style: chr12-50090584-T-G. GRCh37 (hg19) VCF-style: chr12-50484367-T-G.
Other names: c.1127T>G, p.Val376Gly (NM_139071.3); short protein forms V376G.
Identifiers: ClinVar variation 4982785 (VCV004982785.1).